The following is an entry in ClinVar:

NM_007294.4(BRCA1):c.1005C>A (p.Ser335Arg)

Gene: BRCA1 (BRCA1 DNA repair associated; minus strand). Cytogenetic location: 17q21.31.
Variant type: single nucleotide variant.
Coding change: c.1005C>A on transcript NM_007294.4 (MANE Select); coding-DNA position 1005, C replaced by A.
Protein change: p.Ser335Arg; replaces serine 335 with arginine.
Molecular consequence: missense variant. On other transcripts: intron variant (137).
Genome position (GRCh38, 1-based): chr17:43,094,526, G>T on the plus strand (C>A on the coding strand, the complement: BRCA1 is on the minus strand). VCF-style: chr17-43094526-G-T. GRCh37 (hg19) VCF-style: chr17-41246543-G-T.
Other names: c.1005C>A, p.Ser335Arg (NM_001407603.1, NM_001407605.1, NM_001407616.1 and 30 more transcripts); c.1002C>A, p.Ser334Arg (NM_001407610.1, NM_001407611.1, NM_001407612.1 and 22 more transcripts); c.996C>A, p.Ser332Arg (NM_001407647.1, NM_001407646.1); c.882C>A, p.Ser294Arg (NM_001407648.1, NM_001407668.1, NM_001407669.1 and 19 more transcripts); c.879C>A, p.Ser293Arg (NM_001407649.1, NM_001407670.1, NM_001407671.1 and 11 more transcripts); c.927C>A, p.Ser309Arg (NM_001407653.1, NM_001407654.1, NM_001407655.1 and 4 more transcripts); c.864C>A, p.Ser288Arg (NM_001407692.1, NM_001407694.1, NM_001407695.1 and 29 more transcripts); c.861C>A, p.Ser287Arg (NM_001407740.1, NM_001407741.1, NM_001407838.1 and 20 more transcripts); and 40 more; short protein forms S335R, S288R, S223R, S224R, S246R, S265R, S308R, S332R.
Identifiers: ClinVar variation 233381 (VCV000233381.20), dbSNP rs876660367, ClinGen allele CA10580685.
Genomic context (GRCh38, chr17:43,094,526, plus strand): 5'-CTTATTCCATTCTTTTCTCTCACACAGGGGATCAGCATTCAGATCTACCTTTTTTTCTGT[G>T]CTGGGAGTCCGCCTATCATTACATGTTTCCTTACTTCCAGCCCATCTGTTATGTTGGCTC-3'
Protein context (NP_009225.1, residues 325-345): KETCNDRRTP[Ser335Arg]TEKKVDLNAD

ClinVar aggregate classification (germline): Conflicting classifications of pathogenicity. Review status: criteria provided, conflicting classifications (1 of 4 stars). 6 submissions from 6 submitters: Uncertain significance (5); Likely benign (1). Last evaluated 2026-03-06.

Conditions:
Hereditary cancer-predisposing syndrome. Also called: Tumor predisposition; Hereditary neoplastic syndrome; Hereditary Cancer Syndrome; Neoplastic Syndromes, Hereditary. Identifiers: Orphanet 140162, MedGen C0027672, MeSH D009386, MONDO:0015356.
Hereditary breast ovarian cancer syndrome. Also called: Hereditary breast and/or ovarian cancer syndrome; Breast and ovarian cancer; Hereditary breast and ovarian cancer; Hereditary breast and ovarian cancer syndrome; Hereditary breast and ovarian cancer syndrome (HBOC); BRCA1- and BRCA2-Associated Hereditary Breast and Ovarian Cancer. Identifiers: Orphanet 145, MedGen C0677776, MeSH D061325, MONDO:0003582. Disease mechanism: loss of function.

Submissions (6):

GeneDx
Classification: Uncertain significance. Last evaluated: 2026-03-06. Review status: criteria provided, single submitter. Criteria: GeneDx Variant Classification Process June 2021. Collection method: clinical testing. Allele origin: germline.
Comment: Not observed at significant frequency in large population cohorts (gnomAD); In silico analysis supports that this missense variant has a deleterious effect on protein structure/function; Has not been previously published as pathogenic or benign to our knowledge; Also known as 1124C>A; This variant is associated with the following publications: (PMID: 31911673, 20215511, 11521194, 9582019, 9926942, 15343273)

Ambry Genetics
Classification: Uncertain significance for Hereditary cancer-predisposing syndrome. Last evaluated: 2025-08-23. Review status: criteria provided, single submitter. Criteria: Ambry Variant Classification Scheme 2023. Collection method: clinical testing. Allele origin: germline.
Comment: The p.S335R variant (also known as c.1005C>A), located in coding exon 9 of the BRCA1 gene, results from a C to A substitution at nucleotide position 1005. The serine at codon 335 is replaced by arginine, an amino acid with dissimilar properties. This amino acid position is not well conserved in available vertebrate species. In addition, the in silico prediction for this alteration is inconclusive. Since supporting evidence is limited at this time, the clinical significance of this alteration remains unclear.

Labcorp Genetics (formerly Invitae), Labcorp
Classification: Uncertain significance for Hereditary breast ovarian cancer syndrome. Last evaluated: 2025-02-19. Review status: criteria provided, single submitter. Criteria: Invitae Variant Classification Sherloc (09022015). Collection method: clinical testing. Allele origin: germline.
Comment: This sequence change replaces serine, which is neutral and polar, with arginine, which is basic and polar, at codon 335 of the BRCA1 protein (p.Ser335Arg). This variant is not present in population databases (gnomAD no frequency). A different variant (c.1124C>G) giving rise to the same protein effect has been determined to be pathogenic (PMID: 11733976). This suggests that this variant is also likely to be causative of disease. ClinVar contains an entry for this variant (Variation ID: 233381). Invitae Evidence Modeling of protein sequence and biophysical properties (such as structural, functional, and spatial information, amino acid conservation, physicochemical variation, residue mobility, and thermodynamic stability) indicates that this missense variant is not expected to disrupt BRCA1 protein function with a negative predictive value of 80%. In summary, the available evidence is currently insufficient to determine the role of this variant in disease. Therefore, it has been classified as a Variant of Uncertain Significance.

University of Washington Department of Laboratory Medicine, University of Washington
Classification: Likely benign for Hereditary cancer-predisposing syndrome. Last evaluated: 2023-03-23. Review status: criteria provided, single submitter. Criteria: Dines et al. (Genet Med. 2020). Collection method: curation. Allele origin: germline.
Comment: Missense variant in a coldspot region where missense variants are very unlikely to be pathogenic (PMID:31911673).

BRCA1 coldspot (exon 11 using historical exon numbering). Reclassification based on statistical prior probability

Women's Health and Genetics/Laboratory Corporation of America, LabCorp
Classification: Uncertain significance. Last evaluated: 2021-01-12. Review status: criteria provided, single submitter. Criteria: LabCorp Variant Classification Summary - May 2015. Collection method: clinical testing. Allele origin: germline.
Comment: Variant summary: BRCA1 c.1005C>A (p.Ser335Arg) results in a non-conservative amino acid change in the encoded protein sequence. Three of five in-silico tools predict a benign effect of the variant on protein function. The variant was absent in 251380 control chromosomes (gnomAD). The available data on variant occurrences in the general population are insufficient to allow any conclusion about variant significance. To our knowledge, no occurrence of c.1005C>A in individuals affected with Hereditary Breast and Ovarian Cancer Syndrome and no experimental evidence demonstrating its impact on protein function have been reported. Three other ClinVar submitters (evaluation after 2014) cite the variant as uncertain significance. Based on the evidence outlined above, the variant was classified as uncertain significance.

Color Diagnostics, LLC DBA Color Health
Classification: Uncertain significance for Hereditary cancer-predisposing syndrome. Last evaluated: 2019-08-06. Review status: criteria provided, single submitter. Criteria: ACMG Guidelines, 2015. Collection method: clinical testing. Allele origin: germline.
Comment: This missense variant replaces serine with arginine at codon 335 of the BRCA1 protein. Computational prediction tools and conservation analyses are inconclusive regarding the impact of this variant on the protein function. Computational splicing tools suggest that this variant may not impact RNA splicing. To our knowledge, functional assays have not been performed for this variant nor has this variant been reported in individuals affected with hereditary cancer in the literature. This variant has not been identified in the general population by the Genome Aggregation Database (gnomAD). Available evidence is insufficient to determine the role of this variant in disease conclusively. Therefore, this variant is classified as a Variant of Uncertain Significance.

Literature cited by the submitters: PubMed 11733976 (cited by Labcorp Genetics (formerly Invitae), Labcorp).